The following is an entry in ClinVar:

ClinVar aggregate classification (germline): Uncertain significance (1 of 4 stars; one submission).

Conditions:
Wiskott-Aldrich syndrome (WAS). Also called: ALDRICH SYNDROME; IMMUNODEFICIENCY 2; WISKOTT-ALDRICH SYNDROME 1; Wiskott-aldrich syndrome, somatic. Identifiers: Orphanet 906, MedGen C0043194, MONDO:0010518, OMIM 301000.
Thrombocytopenia 1. Also called: X-linked thrombocytopenia with normal platelets; X-Linked Thrombocytopenia (XLT); THROMBOCYTOPENIA, X-LINKED, 1. Identifiers: Orphanet 268322, Orphanet 852, MedGen C1839163, MONDO:0010743, OMIM 313900.
X-linked severe congenital neutropenia (SCNX). Identifiers: Orphanet 86788, MedGen C1845987, MONDO:0010294, OMIM 300299.

gnomAD v4.1: 1 of 1,192,570 alleles (0.000084%); highest among the groups gnomAD compares: South Asian, 0.0018%; no homozygotes.

Submission:

Labcorp Genetics (formerly Invitae), Labcorp
Classification: Uncertain significance for Wiskott-Aldrich syndrome; X-linked severe congenital neutropenia; Thrombocytopenia 1. Last evaluated: 2024-11-23. Review status: criteria provided, single submitter. Criteria: Invitae Variant Classification Sherloc (09022015). Collection method: clinical testing. Allele origin: germline.
Comment: This sequence change replaces alanine, which is neutral and non-polar, with threonine, which is neutral and polar, at codon 92 of the WAS protein (p.Ala92Thr). This variant is not present in population databases (gnomAD no frequency). This variant has not been reported in the literature in individuals affected with WAS-related conditions. An algorithm developed to predict the effect of missense changes on protein structure and function outputs the following: PolyPhen-2: "Benign". The threonine amino acid residue is found in multiple mammalian species, which suggests that this missense change does not adversely affect protein function. In summary, the available evidence is currently insufficient to determine the role of this variant in disease. Therefore, it has been classified as a Variant of Uncertain Significance.

NM_000377.3(WAS):c.274G>A (p.Ala92Thr)

Gene: WAS (WASP actin nucleation promoting factor; plus strand). Cytogenetic location: Xp11.23.
Variant type: single nucleotide variant.
Coding change: c.274G>A on transcript NM_000377.3 (MANE Select); coding-DNA position 274, G replaced by A.
Protein change: p.Ala92Thr; replaces alanine 92 with threonine.
Molecular consequence: missense variant.
Genome position (GRCh38, 1-based): chrX:48,685,547, G>A. VCF-style: chrX-48685547-G-A. GRCh37 (hg19) VCF-style: chrX-48543936-G-A.
Other names: short protein forms A92T.
Identifiers: ClinVar variation 3750932 (VCV003750932.2).
Genomic context (GRCh38, chrX:48,685,547, plus strand): 5'-AAGCCTGCCACCCCCGGCGTGCCTCAGTGCCACTGTGCCTCCCACCCTACACCTCTCCAG[G>A]CTGGTCGGCTGCTCTGGGAACAGGAGCTGTACTCACAGCTTGTCTACTCCACCCCCACCC-3'
Protein context (NP_000368.1, residues 82-102): SYFIRLYGLQ[Ala92Thr]GRLLWEQELY